The following is an entry in ClinVar:

NM_003470.3(USP7):c.2857C>T (p.His953Tyr)

Gene: USP7 (ubiquitin specific peptidase 7; minus strand). Cytogenetic location: 16p13.2.
Variant type: single nucleotide variant.
Coding change: c.2857C>T on transcript NM_003470.3 (MANE Select); coding-DNA position 2857, C replaced by T.
Protein change: p.His953Tyr; replaces histidine 953 with tyrosine.
Molecular consequence: missense variant. On other transcripts: non-coding transcript variant (1).
Genome position (GRCh38, 1-based): chr16:8,895,704, G>A on the plus strand (C>T on the coding strand, the complement: USP7 is on the minus strand). VCF-style: chr16-8895704-G-A. GRCh37 (hg19) VCF-style: chr16-8989561-G-A.
Other names: c.2809C>T, p.His937Tyr (NM_001286457.2); c.2560C>T, p.His854Tyr (NM_001286458.2); c.2683C>T, p.His895Tyr (NM_001321858.2); short protein forms H854Y, H895Y, H937Y, H953Y.
Identifiers: ClinVar variation 4086713 (VCV004086713.1).

ClinVar aggregate classification (germline): Uncertain significance (1 of 4 stars; one submission).

Submission:

GeneDx
Classification: Uncertain significance. Last evaluated: 2025-03-16. Review status: criteria provided, single submitter. Criteria: GeneDx Variant Classification Process June 2021. Collection method: clinical testing. Allele origin: germline. Affected: yes.
Comment: Not observed at significant frequency in large population cohorts (gnomAD); In silico analysis indicates that this missense variant does not alter protein structure/function; Has not been previously published as pathogenic or benign to our knowledge